The following is an entry in ClinVar:

NM_003482.4(KMT2D):c.4433T>A (p.Met1478Lys)

Gene: KMT2D (lysine methyltransferase 2D; minus strand). Cytogenetic location: 12q13.12.
Variant type: single nucleotide variant.
Coding change: c.4433T>A on transcript NM_003482.4 (MANE Select); coding-DNA position 4433, T replaced by A.
Protein change: p.Met1478Lys; replaces methionine 1478 with lysine.
Molecular consequence: missense variant.
Genome position (GRCh38, 1-based): chr12:49,046,410, A>T on the plus strand (T>A on the coding strand, the complement: KMT2D is on the minus strand). VCF-style: chr12-49046410-A-T. GRCh37 (hg19) VCF-style: chr12-49440193-A-T.
Other names: short protein forms M1478K.
Identifiers: ClinVar variation 5005117 (VCV005005117.2).

ClinVar aggregate classification (germline): Uncertain significance (1 of 4 stars; one submission).

Conditions:
Choanal atresia-athelia-hypothyroidism-delayed puberty-short stature syndrome (BCAHH). Also called: BRANCHIAL ARCH ABNORMALITIES, CHOANAL ATRESIA, ATHELIA, HEARING LOSS, AND HYPOTHYROIDISM SYNDROME. Identifiers: Orphanet 589856, MedGen C5680310, MONDO:0035651, OMIM 620186.
Kabuki syndrome 1 (KABUK1). Also called: KMT2D-Related Kabuki Syndrome. Identifiers: Orphanet 2322, MedGen CN030661, MONDO:0007843, OMIM 147920.

Submission:

Juno Genomics, Hangzhou Juno Genomics, Inc
Classification: Uncertain significance for Choanal atresia-athelia-hypothyroidism-delayed puberty-short stature syndrome; Kabuki syndrome 1. Review status: criteria provided, single submitter. Criteria: ACMG Guidelines, 2015. Collection method: clinical testing. Allele origin: germline.
Comment: Absent from controls (or at extremely low frequency if recessive) in Genome Aggregation Database.;Missense variant in a gene that has a low rate of benign missense variation.